The following is an entry in ClinVar:

ClinVar aggregate classification (germline): Likely benign. Review status: criteria provided, multiple submitters, no conflicts (2 of 4 stars). 2 submissions from 2 submitters: Likely benign (2). Last evaluated 2025-07-10.

Conditions:
Charcot-Marie-Tooth disease type 2. Also called: Charcot-Marie-Tooth type 2. Identifiers: Orphanet 64746, MedGen C0270914, MONDO:0018993.

gnomAD v4.1: 3 of 1,613,128 alleles (0.00019%); highest among the groups gnomAD compares: South Asian, 0.0022%; no homozygotes.

Submissions (2):

Women's Health and Genetics/Laboratory Corporation of America, LabCorp
Classification: Likely benign. Last evaluated: 2025-07-10. Review status: criteria provided, single submitter. Criteria: LabCorp Variant Classification Summary - May 2015. Collection method: clinical testing. Allele origin: germline.
Comment: Variant summary: AARS1 c.1506A>G alters a conserved nucleotide resulting in a synonymous change. Consensus agreement among computation tools predict no significant impact on normal splicing. However, these predictions have yet to be confirmed by functional studies. The variant allele was found at a frequency of 4e-06 in 250526 control chromosomes. The available data on variant occurrences in the general population are insufficient to allow any conclusion about variant significance. To our knowledge, no occurrence of c.1506A>G in individuals affected with Developmental and epileptic encephalopathy, 29 and no experimental evidence demonstrating its impact on protein function have been reported. ClinVar contains an entry for this variant (Variation ID: 3667127). Based on the evidence outlined above, the variant was classified as likely benign.

Labcorp Genetics (formerly Invitae), Labcorp
Classification: Likely benign for Charcot-Marie-Tooth disease type 2. Last evaluated: 2024-09-24. Review status: criteria provided, single submitter. Criteria: Invitae Variant Classification Sherloc (09022015). Collection method: clinical testing. Allele origin: germline.

NM_001605.3(AARS1):c.1506A>G (p.Thr502=)

Gene: AARS1 (alanyl-tRNA synthetase 1; minus strand). Cytogenetic location: 16q22.1.
Variant type: single nucleotide variant.
Coding change: c.1506A>G on transcript NM_001605.3 (MANE Select); coding-DNA position 1506, A replaced by G.
Protein change: p.Thr502=; no amino-acid change (threonine 502 retained).
Molecular consequence: synonymous variant.
Genome position (GRCh38, 1-based): chr16:70,262,511, T>C on the plus strand (A>G on the coding strand, the complement: AARS1 is on the minus strand). VCF-style: chr16-70262511-T-C. GRCh37 (hg19) VCF-style: chr16-70296414-T-C.
Identifiers: ClinVar variation 3667127 (VCV003667127.3).
Genomic context (GRCh38, chr16:70,262,511, plus strand): 5'-GCCTGTGGACACCTCTTCCACGAACATCTTCTCCCTGCGCAGAGCCATCACCGTAGCCAC[T>C]GTGTTCTCAAATACTGCTCAAGGGAAATGCATAGAAAGGGGACAGTGGGGTCAATGACCT-3'
Protein context (NP_001596.2, residues 492-512): DSSGSYVFEN[Thr502=]VATVMALRRE